The following is an entry in ClinVar:

NM_006231.4(POLE):c.1457C>A (p.Pro486His)

Gene: POLE (DNA polymerase epsilon, catalytic subunit; minus strand). Cytogenetic location: 12q24.33.
Variant type: single nucleotide variant.
Coding change: c.1457C>A on transcript NM_006231.4 (MANE Select); coding-DNA position 1457, C replaced by A.
Protein change: p.Pro486His; replaces proline 486 with histidine.
Molecular consequence: missense variant.
Genome position (GRCh38, 1-based): chr12:132,673,180, G>T on the plus strand (C>A on the coding strand, the complement: POLE is on the minus strand). VCF-style: chr12-132673180-G-T. GRCh37 (hg19) VCF-style: chr12-133249766-G-T.
Other names: c.1457C>A (NM_006231.2); short protein forms P486H.
Identifiers: ClinVar variation 4809457 (VCV004809457.2).
Genomic context (GRCh38, chr12:132,673,180, plus strand): 5'-AGGGCTGAGGAGGCCAGGGTGCCGACAGGACAGATAATGCTCACCTCGTCGGGCTCCATG[G>T]GAATAATGGTGCACAGAGCAAAGATGAATGGGTGGACGTACTTCATGTACAGGTAGTAAG-3'
Protein context (NP_006222.2, residues 476-496): PFIFALCTII[Pro486His]MEPDEVLRKG

ClinVar aggregate classification (germline): Uncertain significance. Review status: criteria provided, multiple submitters, no conflicts (2 of 4 stars). 2 submissions from 2 submitters: Uncertain significance (2). Last evaluated 2026-02-16.

Conditions:
Hereditary cancer-predisposing syndrome. Also called: Neoplastic Syndromes, Hereditary; Hereditary neoplastic syndrome; Tumor predisposition; Hereditary Cancer Syndrome. Identifiers: Orphanet 140162, MedGen C0027672, MeSH D009386, MONDO:0015356.

Submissions (2):

Ambry Genetics
Classification: Uncertain significance for Hereditary cancer-predisposing syndrome. Last evaluated: 2026-02-16. Review status: criteria provided, single submitter. Criteria: Ambry Variant Classification Scheme 2023. Collection method: clinical testing. Allele origin: germline.
Comment: The p.P486H variant (also known as c.1457C>A), located in coding exon 14 of the POLE gene, results from a C to A substitution at nucleotide position 1457. The proline at codon 486 is replaced by histidine, an amino acid with similar properties. This amino acid position is conserved. In addition, the in silico prediction for this alteration is inconclusive. Based on the available evidence, the clinical significance of this variant remains unclear.

Labcorp Genetics (formerly Invitae), Labcorp
Classification: Uncertain significance. Last evaluated: 2025-04-27. Review status: criteria provided, single submitter. Criteria: Invitae Variant Classification Sherloc (09022015). Collection method: clinical testing. Allele origin: germline.
Comment: This sequence change replaces proline, which is neutral and non-polar, with histidine, which is basic and polar, at codon 486 of the POLE protein (p.Pro486His). This variant is not present in population databases (gnomAD no frequency). This variant has not been reported in the literature in individuals affected with POLE-related conditions. Invitae Evidence Modeling of protein sequence and biophysical properties (such as structural, functional, and spatial information, amino acid conservation, physicochemical variation, residue mobility, and thermodynamic stability) indicates that this missense variant is expected to disrupt POLE protein function with a positive predictive value of 80%. In summary, the available evidence is currently insufficient to determine the role of this variant in disease. Therefore, it has been classified as a Variant of Uncertain Significance.